The following is an entry in ClinVar:

ClinVar aggregate classification (germline): Likely benign. Review status: criteria provided, single submitter (1 of 4 stars). 2 submissions from 2 submitters: Likely benign (1). 1 of the submissions does not count toward it. Last evaluated 2022-08-01.

Conditions:
NLRP2-related disorder. Also called: NLRP2-related condition.

Allele frequency attached by ClinVar (database versions not stated): gnomAD exomes 0.00038 and 0.00071; 1000 Genomes Project 0.00040; TOPMed 0.00046; gnomAD 0.00050 and 0.00056; ESP Exome Variant Server 0.00062; ExAC 0.00063; 1000 Genomes Project 30x 0.00031.
gnomAD v4.1: 669 of 1,613,098 alleles (0.041%); highest among the groups gnomAD compares: East Asian, 0.26%; 3 homozygotes.

Submissions (2):

CeGaT Center for Human Genetics Tuebingen
Classification: Likely benign. Last evaluated: 2022-08-01. Review status: criteria provided, single submitter. Criteria: CeGaT Center For Human Genetics Tuebingen Variant Classification Criteria Version 2. Collection method: clinical testing. Allele origin: germline. Affected: yes. Observed: 2 variant alleles.
Comment: NLRP2: BP4, BP7

PreventionGenetics, part of Exact Sciences
Classification: Likely benign for NLRP2-related condition. Last evaluated: 2019-03-06. Review status: no assertion criteria provided. Collection method: clinical testing. Allele origin: germline. Not counted in ClinVar's aggregate classification.
Comment: This variant is classified as likely benign based on ACMG/AMP sequence variant interpretation guidelines (Richards et al. 2015 PMID: 25741868, with internal and published modifications).

NM_017852.5(NLRP2):c.1218G>A (p.Thr406=)

Gene: NLRP2 (NLR family pyrin domain containing 2; plus strand). Cytogenetic location: 19q13.42.
Variant type: single nucleotide variant.
Coding change: c.1218G>A on transcript NM_017852.5 (MANE Select); coding-DNA position 1218, G replaced by A.
Protein change: p.Thr406=; no amino-acid change (threonine 406 retained).
Molecular consequence: synonymous variant. On other transcripts: non-coding transcript variant (1).
Genome position (GRCh38, 1-based): chr19:54,982,916, G>A. VCF-style: chr19-54982916-G-A. GRCh37 (hg19) VCF-style: chr19-55494284-G-A.
Other names: c.1218G>A, p.Thr406= (NM_001174081.3); c.1152G>A, p.Thr384= (NM_001174082.3); c.1149G>A, p.Thr383= (NM_001174083.2); c.1209G>A, p.Thr403= (NM_001348003.2); c.1218G>A (NM_001174081.2).
Identifiers: ClinVar variation 932560 (VCV000932560.40), dbSNP rs142180857, ClinGen allele CA310104092.
Genomic context (GRCh38, chr19:54,982,916, plus strand): 5'-GAGCAACGCGGCCCTGTTCCAGCTGGGCTCGGCCCCCGCGGTGTGCTGGATCGTGTGCAC[G>A]ACTCTGAAGCTGCAGATGGAGAAGGGGGAGGACCCGGTCCCCACCTGCCTCACCCGCACG-3'
Protein context (NP_060322.1, residues 396-416): SAPAVCWIVC[Thr406=]TLKLQMEKGE